The following is an entry in ClinVar:

NM_003482.4(KMT2D):c.10847T>C (p.Val3616Ala)

Gene: KMT2D (lysine methyltransferase 2D; minus strand). Cytogenetic location: 12q13.12.
Variant type: single nucleotide variant.
Coding change: c.10847T>C on transcript NM_003482.4 (MANE Select); coding-DNA position 10847, T replaced by C.
Protein change: p.Val3616Ala; replaces valine 3616 with alanine.
Molecular consequence: missense variant.
Genome position (GRCh38, 1-based): chr12:49,033,858, A>G on the plus strand (T>C on the coding strand, the complement: KMT2D is on the minus strand). VCF-style: chr12-49033858-A-G. GRCh37 (hg19) VCF-style: chr12-49427641-A-G.
Other names: short protein forms V3616A.
Identifiers: ClinVar variation 1969036 (VCV001969036.14), dbSNP rs765596348, ClinGen allele CA6546413.

ClinVar aggregate classification (germline): Conflicting classifications of pathogenicity. Review status: criteria provided, conflicting classifications (1 of 4 stars). 6 submissions from 6 submitters: Uncertain significance (3); Benign (1); Likely benign (2). Last evaluated 2026-03-15.

Conditions:
KMT2D-related disorder. Also called: KMT2D-Related Disorders.
Inborn genetic diseases. Identifiers: MedGen C0950123, MeSH D030342.
Kabuki syndrome. Also called: NIIKAWA-KUROKI SYNDROME; Kabuki make-up syndrome. Identifiers: Orphanet 2322, MedGen C0796004, MONDO:0016512.

Allele frequency attached by ClinVar (database versions not stated): gnomAD 0.00001; TOPMed 0.00001.
gnomAD v4.1: 12 of 1,556,866 alleles (0.00077%); highest among the groups gnomAD compares: Middle Eastern, 0.017%; no homozygotes.

Submissions (6):

PreventionGenetics, part of Exact Sciences
Classification: Uncertain significance for KMT2D-related condition. Last evaluated: 2026-03-15. Review status: criteria provided, single submitter. Criteria: ACMG Guidelines, 2015. Collection method: clinical testing. Allele origin: germline.
Comment: The KMT2D c.10847T>C variant is predicted to result in the amino acid substitution p.Val3616Ala. To our knowledge, this variant has not been reported in the literature. This variant is reported in 2 out of ~172,500 alleles in gnomAD. At this time, the clinical significance of this variant is uncertain due to the absence of conclusive functional and genetic evidence.

CeGaT Center for Human Genetics Tuebingen
Classification: Likely benign. Last evaluated: 2025-12-01. Review status: criteria provided, single submitter. Criteria: CeGaT Center For Human Genetics Tuebingen Variant Classification Criteria Version 2. Collection method: clinical testing. Allele origin: germline. Affected: yes. Observed: 1 variant allele.
Comment: KMT2D: BS2

Labcorp Genetics (formerly Invitae), Labcorp
Classification: Benign for Kabuki syndrome. Last evaluated: 2025-09-29. Review status: criteria provided, single submitter. Criteria: Invitae Variant Classification Sherloc (09022015). Collection method: clinical testing. Allele origin: germline.

Center for Genomic Medicine, Rigshospitalet, Copenhagen University Hospital
Classification: Uncertain significance. Last evaluated: 2025-03-04. Review status: criteria provided, single submitter. Criteria: ACMG Guidelines, 2015. Collection method: clinical testing. Allele origin: germline.

Ambry Genetics
Classification: Likely benign for Inborn genetic diseases. Last evaluated: 2024-12-20. Review status: criteria provided, single submitter. Criteria: Ambry Variant Classification Scheme 2023. Collection method: clinical testing. Allele origin: germline.

Women's Health and Genetics/Laboratory Corporation of America, LabCorp
Classification: Uncertain significance. Last evaluated: 2024-11-20. Review status: criteria provided, single submitter. Criteria: LabCorp Variant Classification Summary - May 2015. Collection method: clinical testing. Allele origin: germline.
Comment: Variant summary: KMT2D c.10847T>C (p.Val3616Ala) results in a non-conservative amino acid change in the encoded protein sequence. Three of five in-silico tools predict a benign effect of the variant on protein function. The variant allele was found at a frequency of 1.2e-05 in 172562 control chromosomes. The available data on variant occurrences in the general population are insufficient to allow any conclusion about variant significance. To our knowledge, no occurrence of c.10847T>C in individuals affected with Kabuki Syndrome 1 and no experimental evidence demonstrating its impact on protein function have been reported. ClinVar contains an entry for this variant (Variation ID: 1969036). Based on the evidence outlined above, the variant was classified as uncertain significance.